The following is an entry in ClinVar:

NM_017763.6(RNF43):c.830A>T (p.Glu277Val)

Gene: RNF43 (ring finger protein 43; minus strand). Cytogenetic location: 17q22.
Variant type: single nucleotide variant.
Coding change: c.830A>T on transcript NM_017763.6 (MANE Select); coding-DNA position 830, A replaced by T.
Protein change: p.Glu277Val; replaces glutamic acid 277 with valine.
Molecular consequence: missense variant.
Genome position (GRCh38, 1-based): chr17:58,360,802, T>A on the plus strand (A>T on the coding strand, the complement: RNF43 is on the minus strand). VCF-style: chr17-58360802-T-A. GRCh37 (hg19) VCF-style: chr17-56438163-T-A.
Other names: c.830A>T, p.Glu277Val (NM_001305544.3); c.449A>T, p.Glu150Val (NM_001305545.2); short protein forms E150V, E277V.
Identifiers: ClinVar variation 3434514 (VCV003434514.1).

ClinVar aggregate classification (germline): Uncertain significance (1 of 4 stars; one submission).

Submission:

Ambry Genetics
Classification: Uncertain significance. Last evaluated: 2024-11-25. Review status: criteria provided, single submitter. Criteria: Ambry Variant Classification Scheme 2023. Collection method: clinical testing. Allele origin: germline.
Comment: The p.E277V variant (also known as c.830A>T), located in coding exon 6 of the RNF43 gene, results from an A to T substitution at nucleotide position 830. The glutamic acid at codon 277 is replaced by valine, an amino acid with dissimilar properties. This amino acid position is conserved. In addition, the in silico prediction for this alteration is inconclusive. Based on the available evidence, the clinical significance of this variant remains unclear.